The following is an entry in ClinVar:

NM_000143.4(FH):c.358A>G (p.Ile120Val)

Gene: FH (fumarate hydratase; minus strand). Cytogenetic location: 1q43.
Variant type: single nucleotide variant.
Coding change: c.358A>G on transcript NM_000143.4 (MANE Select); coding-DNA position 358, A replaced by G.
Protein change: p.Ile120Val; replaces isoleucine 120 with valine.
Molecular consequence: missense variant.
Genome position (GRCh38, 1-based): chr1:241,513,623, T>C on the plus strand (A>G on the coding strand, the complement: FH is on the minus strand). VCF-style: chr1-241513623-T-C. GRCh37 (hg19) VCF-style: chr1-241676923-T-C.
Other names: short protein forms I120V.
Identifiers: ClinVar variation 187279 (VCV000187279.28), dbSNP rs199641124, ClinGen allele CA197225.

ClinVar aggregate classification (germline): Conflicting classifications of pathogenicity. Review status: criteria provided, conflicting classifications (1 of 4 stars). 11 submissions from 10 submitters: Uncertain significance (8); Likely benign (2). 1 of the submissions does not count toward it. Last evaluated 2026-01-22.

Conditions:
Hereditary cancer-predisposing syndrome. Also called: Tumor predisposition; Neoplastic Syndromes, Hereditary; Hereditary neoplastic syndrome; Hereditary Cancer Syndrome. Identifiers: Orphanet 140162, MedGen C0027672, MeSH D009386, MONDO:0015356.
Hereditary leiomyomatosis and renal cell cancer. Also called: MULTIPLE CUTANEOUS AND UTERINE LEIOMYOMATA 1, WITH OR WITHOUT RENAL CELL CARCINOMA; LEIOMYOMA, MULTIPLE CUTANEOUS; Reed syndrome; Multiple cutaneous and uterine leiomyomatosis; Cutaneous leiomyomata with uterine leiomyomata; Leiomyoma, hereditary multiple, of skin. Identifiers: Orphanet 523, MedGen C1708350, MONDO:0007888, OMIM 150800, HP:0007437. Disease mechanism: loss of function.
Fumarase deficiency (FMRD). Also called: Fumaric aciduria; Fumarate Hydratase Deficiency. Identifiers: Orphanet 24, MedGen C0342770, MONDO:0011730, OMIM 606812.

Allele frequency attached by ClinVar (database versions not stated): gnomAD exomes 0.00005 and 0.00003; ExAC 0.00007; gnomAD 0.00002 and 0.00003; TOPMed 0.00002.
gnomAD v4.1: 56 of 1,613,830 alleles (0.0035%); highest among the groups gnomAD compares: Middle Eastern, 0.016%; no homozygotes.

Submissions (11):

Labcorp Genetics (formerly Invitae), Labcorp
Classification: Uncertain significance. Last evaluated: 2026-01-22. Review status: criteria provided, single submitter. Criteria: Invitae Variant Classification Sherloc (09022015). Collection method: clinical testing. Allele origin: germline.
Comment: This sequence change replaces isoleucine, which is neutral and non-polar, with valine, which is neutral and non-polar, at codon 120 of the FH protein (p.Ile120Val). This variant is present in population databases (rs199641124, gnomAD 0.01%). This variant has not been reported in the literature in individuals affected with FH-related conditions. ClinVar contains an entry for this variant (Variation ID: 187279). Invitae Evidence Modeling of protein sequence and biophysical properties (such as structural, functional, and spatial information, amino acid conservation, physicochemical variation, residue mobility, and thermodynamic stability) has been performed for this missense variant. However, the output from this modeling did not meet the statistical confidence thresholds required to predict the impact of this variant on FH protein function. In summary, the available evidence is currently insufficient to determine the role of this variant in disease. Therefore, it has been classified as a Variant of Uncertain Significance.

Center for Genomic Medicine, Rigshospitalet, Copenhagen University Hospital
Classification: Uncertain significance. Last evaluated: 2025-03-04. Review status: criteria provided, single submitter. Criteria: ACMG Guidelines, 2015. Collection method: clinical testing. Allele origin: germline.

Quest Diagnostics Nichols Institute San Juan Capistrano
Classification: Uncertain significance. Last evaluated: 2024-11-19. Review status: criteria provided, single submitter. Criteria: Quest Diagnostics criteria. Collection method: clinical testing. Allele origin: unknown.
Comment: The FH c.358A>G (p.Ile120Val) variant has been reported in the published literature in an individual with renal carcinoma (PMID: 17960613 (2008)) and an individual with high-grade glioma (PMID: 26580448 (2015)). Experimental evidence suggests that this variant is not disruptive (PMID: 17960613 (2008)). The frequency of this variant in the general population, 0.00011 (13/113738 chromosomes (Genome Aggregation Database)), is uninformative in the assessment of its pathogenicity. Analysis of this variant using bioinformatics tools for the prediction of the effect of amino acid changes on protein structure and function yielded predictions that this variant is benign. Based on the available information, we are unable to determine the clinical significance of this variant.

Blueprint Genetics
Classification: Uncertain significance. Last evaluated: 2024-10-23. Review status: criteria provided, single submitter. Criteria: ACMG Guidelines, 2015. Collection method: clinical testing. Allele origin: germline.

Myriad Genetics, Inc.
Classification: Likely benign for Hereditary leiomyomatosis and renal cell cancer. Last evaluated: 2024-10-17. Review status: criteria provided, single submitter. Criteria: Myriad Autosomal Dominant, Autosomal Recessive and X-Linked Classification Criteria (2023). Collection method: clinical testing. Allele origin: unknown.
Comment: This variant is considered likely benign. This variant has been observed at a population frequency that is significantly greater than expected given the associated disease prevalence and penetrance.

Baylor Genetics
Classification: Uncertain significance for Fumarase deficiency. Last evaluated: 2023-08-24. Review status: criteria provided, single submitter. Criteria: ACMG Guidelines, 2015. Collection method: clinical testing. Allele origin: unknown.

St. Jude Molecular Pathology, St. Jude Children's Research Hospital
Classification: Uncertain significance for Hereditary leiomyomatosis and renal cell cancer. Last evaluated: 2022-01-03. Review status: criteria provided, single submitter. Criteria: St. Jude Assertion Criteria 2020. Collection method: clinical testing. Allele origin: germline.
Comment: The FH c.358A>G (p.Ile120Val) missense change has a maximum subpopulation frequency of 0.011% in gnomAD v2.1.1. The in silico tool REVEL predicts a deleterious effect on protein function, but to our knowledge this prediction has not been confirmed by functional studies. To our knowledge, this variant has not been reported in individuals with hereditary leiomyomatosis and renal cell cancer (HLRCC). In summary, the evidence currently available is insufficient to determine the clinical significance of this variant. It has therefore been classified as of uncertain significance.

Ambry Genetics
Classification: Likely benign for Hereditary cancer-predisposing syndrome. Last evaluated: 2020-03-18. Review status: criteria provided, single submitter. Criteria: Ambry Variant Classification Scheme 2023. Collection method: clinical testing. Allele origin: germline.

Illumina Laboratory Services, Illumina
Classification: Uncertain significance for Fumarase deficiency. Last evaluated: 2017-04-27. Review status: criteria provided, single submitter. Criteria: ICSL Variant Classification Criteria 13 December 2019. Collection method: clinical testing. Allele origin: germline.

Illumina Laboratory Services, Illumina
Classification: Uncertain significance for Hereditary leiomyomatosis and renal cell cancer. Last evaluated: 2017-04-27. Review status: criteria provided, single submitter. Criteria: ICSL Variant Classification Criteria 13 December 2019. Collection method: clinical testing. Allele origin: germline.

Natera, Inc.
Classification: Uncertain significance for Fumarase deficiency. Last evaluated: 2020-09-16. Review status: no assertion criteria provided. Collection method: clinical testing. Allele origin: germline. Not counted in ClinVar's aggregate classification.

Literature cited by the submitters: PubMed 26580448 (cited by Quest Diagnostics Nichols Institute San Juan Capistrano); PubMed 32612247 (cited by Quest Diagnostics Nichols Institute San Juan Capistrano); PubMed 17960613 (cited by Quest Diagnostics Nichols Institute San Juan Capistrano).